The following is an entry in ClinVar:

ClinVar aggregate classification (germline): Uncertain significance (1 of 4 stars; one submission).

Allele frequency attached by ClinVar (database versions not stated): gnomAD 0.00011; ESP Exome Variant Server 0.00015; ExAC 0.00023.
gnomAD v4.1: 263 of 1,613,986 alleles (0.016%); highest among the groups gnomAD compares: Non-Finnish European, 0.021%; no homozygotes.

Submission:

Women's Health and Genetics/Laboratory Corporation of America, LabCorp
Classification: Uncertain significance. Last evaluated: 2023-08-24. Review status: criteria provided, single submitter. Criteria: LabCorp Variant Classification Summary - May 2015. Collection method: clinical testing. Allele origin: germline.
Comment: Variant summary: CYP4F22 c.1352G>A (p.Arg451His) results in a non-conservative amino acid change in the encoded protein sequence. Five of five in-silico tools predict a damaging effect of the variant on protein function. The variant allele was found at a frequency of 0.00015 in 251472 control chromosomes (gnomAD). This frequency is not significantly higher than estimated for a pathogenic variant in CYP4F22 causing Lamellar Ichthyosis (0.00015 vs 0.00071), allowing no conclusion about variant significance. To our knowledge, no occurrence of c.1352G>A in individuals affected with Lamellar Ichthyosis and no experimental evidence demonstrating its impact on protein function have been reported. Other variants affecting the same codon (p.R451P, p.R451C) have been reported in bi-allelic individuals affected with autosomal recessive congenital ichthyosis (PubMed: 30011118) and classified pathogenic/likely pathogenic in ClinVar (CV ID 560313, 560317). However, available data is not sufficient to associate this variant with the disease. No submitters have cited clinical-significance assessments for this variant to ClinVar after 2014. Based on the evidence outlined above, the variant was classified as uncertain significance.

NM_173483.4(CYP4F22):c.1352G>A (p.Arg451His)

Gene: CYP4F22 (cytochrome P450 family 4 subfamily F member 22; plus strand). Cytogenetic location: 19p13.12.
Variant type: single nucleotide variant.
Coding change: c.1352G>A on transcript NM_173483.4 (MANE Select); coding-DNA position 1352, G replaced by A.
Protein change: p.Arg451His; replaces arginine 451 with histidine.
Molecular consequence: missense variant.
Genome position (GRCh38, 1-based): chr19:15,550,690, G>A. VCF-style: chr19-15550690-G-A. GRCh37 (hg19) VCF-style: chr19-15661501-G-A.
Other names: short protein forms R451H.
Identifiers: ClinVar variation 2581359 (VCV002581359.1), dbSNP rs144961059, ClinGen allele CA9269936.